The following is an entry in ClinVar:

ClinVar aggregate classification (germline): Pathogenic (1 of 4 stars; one submission).

Submission:

Labcorp Genetics (formerly Invitae), Labcorp
Classification: Pathogenic. Last evaluated: 2025-08-31. Review status: criteria provided, single submitter. Criteria: Invitae Variant Classification Sherloc (09022015). Collection method: clinical testing. Allele origin: germline.
Comment: This sequence change creates a premature translational stop signal (p.Leu100Alafs*12) in the TTC19 gene. It is expected to result in an absent or disrupted protein product. Loss-of-function variants in TTC19 are known to be pathogenic (PMID: 21278747, 24368687). This variant is not present in population databases (gnomAD no frequency). This variant has not been reported in the literature in individuals affected with TTC19-related conditions. For these reasons, this variant has been classified as Pathogenic.

Literature cited by the submitters: PubMed 21278747; PubMed 24368687.

NM_017775.4(TTC19):c.296dup (p.Leu100fs)

Gene: TTC19 (tetratricopeptide repeat domain 19; plus strand). Cytogenetic location: 17p12.
Variant type: Duplication.
Coding change: c.296dup on transcript NM_017775.4 (MANE Select); coding-DNA position 296, one base duplicated (T; older notation c.296dupT).
Protein change: p.Leu100fs; shifts the reading frame from leucine 100.
Molecular consequence: frameshift variant. On other transcripts: 5 prime UTR variant (1).
Genome position (GRCh38, 1-based): chr17:16,000,229, T duplicated. VCF-style (leftmost placement, unchanged base first): chr17-16000228-C-CT. GRCh37 (hg19) VCF-style: chr17-15903542-C-CT.
Other names: c.-163dup (NM_001271420.2); short protein forms L100fs.
Identifiers: ClinVar variation 4723786 (VCV004723786.1).